The following is an entry in ClinVar:

ClinVar aggregate classification (germline): Uncertain significance (1 of 4 stars; one submission).

Conditions:
Hereditary cancer-predisposing syndrome. Also called: Tumor predisposition; Neoplastic Syndromes, Hereditary; Hereditary neoplastic syndrome; Hereditary Cancer Syndrome. Identifiers: Orphanet 140162, MedGen C0027672, MeSH D009386, MONDO:0015356.

Submission:

Color Diagnostics, LLC DBA Color Health
Classification: Uncertain significance for Hereditary cancer-predisposing syndrome. Last evaluated: 2023-11-07. Review status: criteria provided, single submitter. Criteria: ACMG Guidelines, 2015. Collection method: clinical testing. Allele origin: germline.
Comment: This variant inserts 4 nucleotides in exon 2 of the APC gene, creating a frameshift and premature translation stop signal. Alterations that cause premature truncation in the amino (N-) terminus of the APC protein have been associated with an attenuated phenotype and may have reduced penetrance and/or expressivity in comparison to classic familial adenomatous polyposis syndrome (FAP; PMID: 9585611, 11257105). To our knowledge, this variant has not been reported in individuals affected with APC-related disorders in the literature. This variant has not been identified in the general population by the Genome Aggregation Database (gnomAD). Loss of APC function is a known mechanism of disease. Although there is a suspicion that this variant may be associated with disease, additional functional and clinical studies are necessary to determine the role of this variant in disease conclusively. Therefore, this variant is classified as a Variant of Uncertain Significance

NM_000038.6(APC):c.26_27insTTTA (p.Leu9fs)

Gene: APC (APC regulator of Wnt signaling pathway; plus strand). Cytogenetic location: 5q22.2.
Variant type: Insertion.
Coding change: c.26_27insTTTA on transcript NM_000038.6 (MANE Select); coding-DNA positions 26 to 27, TTTA inserted.
Protein change: p.Leu9fs; shifts the reading frame from leucine 9.
Molecular consequence: frameshift variant. On other transcripts: 5 prime UTR variant (1), intron variant (8).
Genome position: GRCh38 VCF-style: chr5-112754916-T-TTTTA. GRCh37 (hg19) VCF-style: chr5-112090613-T-TTTTA.
Other names: c.26_27insTTTA, p.Leu9fs (NM_001127510.3, NM_001354895.2, NM_001354896.2 and 2 more transcripts); c.-1010_-1009insTTTA (NM_001354906.2); c.166-11410_166-11409insTTTA (NM_001354897.2, NM_001354902.2, NM_001127511.3); c.61-11410_61-11409insTTTA (NM_001354898.2, NM_001354904.2); c.-42-11410_-42-11409insTTTA (NM_001354900.2, NM_001354901.2, NM_001354905.2); short protein forms L9fs.
Identifiers: ClinVar variation 630969 (VCV000630969.6), dbSNP rs1561444605, ClinGen allele CA913188119.
Genomic context (GRCh38, chr5:112,754,916, plus strand): 5'-CCTTTTTAACCTTATAGGTCCAAGGGTAGCCAAGGATGGCTGCAGCTTCATATGATCAGT[T>TTTTA]GTTAAAGCAAGTTGAGGCACTGAAGATGGAGAACTCAAATCTTCGACAAGAGCTAGAAGA-3'